The following is an entry in ClinVar:

ClinVar aggregate classification (germline): Pathogenic/Likely pathogenic. Review status: criteria provided, multiple submitters, no conflicts (2 of 4 stars). 3 submissions from 3 submitters: Pathogenic (2); Likely pathogenic (1). Last evaluated 2025-04-24.

Conditions:
CSPP1-related disorder. Also called: CSPP1-related condition.
Inborn genetic diseases. Identifiers: MedGen C0950123, MeSH D030342.
Joubert syndrome 21 (JBTS21). Identifiers: MedGen C3810212, MONDO:0014288, OMIM 615636.

Allele frequency attached by ClinVar (database versions not stated): TOPMed 0.00002.
gnomAD v4.1: 11 of 1,597,566 alleles (0.00069%); highest among the groups gnomAD compares: African/African-American, 0.0027%; no homozygotes.

Submissions (4):

Ambry Genetics
Classification: Pathogenic for Inborn genetic diseases. Last evaluated: 2025-04-24. Review status: criteria provided, single submitter. Criteria: Ambry Variant Classification Scheme 2023. Collection method: clinical testing. Allele origin: germline.
Comment: The c.1214G>A (p.R405Q) alteration is located in exon 9 (coding exon 9) of the CSPP1 gene. This alteration results from a G to A substitution at nucleotide position 1214, causing the arginine (R) at amino acid position 405 to be replaced by a glutamine (Q). However, this change occurs in the last base pair of coding exon9, which makes it likely to have some effect on normal mRNA splicing. Based on data from gnomAD, the A allele has an overall frequency of 0.01% (8/82307) total alleles studied. The highest observed frequency was 0.004161% (1/24032) of African/African-American alleles. This variant has been identified in the homozygous state and/or in conjunction with other CSPP1 variant(s) in individual(s) with features consistent with Joubert syndrome (Tuz, 2014; Ying, 2022). This nucleotide position is highly conserved in available vertebrate species. RNA studies have demonstrated that this alteration results in abnormal splicing in the set of samples tested (Tuz, 2014). In silico splice site analysis predicts that this alteration will weaken the native splice donor site. Based on the available evidence, this alteration is classified as pathogenic.

Labcorp Genetics (formerly Invitae), Labcorp
Classification: Pathogenic for Joubert syndrome 21. Last evaluated: 2023-08-04. Review status: criteria provided, single submitter. Criteria: Invitae Variant Classification Sherloc (09022015). Collection method: clinical testing. Allele origin: germline.
Comment: For these reasons, this variant has been classified as Pathogenic. Variants that disrupt the consensus splice site are a relatively common cause of aberrant splicing (PMID: 17576681, 9536098). Studies have shown that this missense change results in the inclusion of a portion of exon 9 and introduces a premature termination codon (PMID: 24360808). The resulting mRNA is expected to undergo nonsense-mediated decay. An algorithm developed to predict the effect of missense changes on protein structure and function (PolyPhen-2) suggests that this variant is likely to be disruptive. ClinVar contains an entry for this variant (Variation ID: 949594). This variant is also known as p.Arg405Glnfs*2. This missense change has been observed in individual(s) with Joubert syndrome (PMID: 24360808). It has also been observed to segregate with disease in related individuals. The frequency data for this variant in the population databases is considered unreliable, as metrics indicate poor data quality at this position in the gnomAD database. This sequence change replaces arginine, which is basic and polar, with glutamine, which is neutral and polar, at codon 405 of the CSPP1 protein (p.Arg405Gln). RNA analysis indicates that this missense change induces altered splicing and may result in an absent or disrupted protein product.

Blueprint Genetics
Classification: Likely pathogenic for CSPP1-related disorders. Last evaluated: 2019-09-30. Review status: criteria provided, single submitter. Criteria: ACMG Guidelines, 2015. Collection method: clinical testing. Allele origin: germline. Affected: yes. Observed: 2 variant alleles.

Dr. Peter K. Rogan Lab, Western University
No classification provided (evidence only). Condition: Uveal melanoma. Review status: no classification provided. Collection method: in vitro. Allele origin: not applicable. Functional consequence: retained intron. Not counted in ClinVar's aggregate classification.

Literature cited by the submitters: PubMed 24360808 (cited by Ambry Genetics and Labcorp Genetics (formerly Invitae), Labcorp); PubMed 35858853 (cited by Ambry Genetics); PubMed 17576681 (cited by Labcorp Genetics (formerly Invitae), Labcorp); PubMed 9536098 (cited by Labcorp Genetics (formerly Invitae), Labcorp).

NM_001382391.1(CSPP1):c.1187G>A (p.Arg396Gln)

Gene: CSPP1 (centrosome and spindle pole associated protein 1; plus strand). Cytogenetic location: 8q13.2.
Variant type: single nucleotide variant.
Coding change: c.1187G>A on transcript NM_001382391.1 (MANE Select); coding-DNA position 1187, G replaced by A.
Protein change: p.Arg396Gln; replaces arginine 396 with glutamine.
Molecular consequence: missense variant.
Genome position (GRCh38, 1-based): chr8:67,112,065, G>A. VCF-style: chr8-67112065-G-A. GRCh37 (hg19) VCF-style: chr8-68024300-G-A.
Other names: c.332G>A, p.Arg111Gln (NM_001291339.2); c.1106G>A, p.Arg369Gln (NM_001363131.2, NM_001363133.2); c.1187G>A, p.Arg396Gln (NM_001363132.2); c.1295G>A, p.Arg432Gln (NM_001364869.1); c.1115G>A, p.Arg372Gln (NM_001364870.1); c.1214G>A, p.Arg405Gln (NM_024790.7); short protein forms R432Q, R396Q, R372Q, R405Q, R111Q, R369Q.
Identifiers: ClinVar variation 949594 (VCV000949594.9), dbSNP rs760205035, ClinGen allele CA4770471.